The following is an entry in ClinVar:

NM_000138.5(FBN1):c.3409C>T (p.Arg1137Cys)

Gene: FBN1 (fibrillin 1; minus strand). Cytogenetic location: 15q21.1.
Variant type: single nucleotide variant.
Coding change: c.3409C>T on transcript NM_000138.5 (MANE Select); coding-DNA position 3409, C replaced by T.
Protein change: p.Arg1137Cys; replaces arginine 1137 with cysteine.
Molecular consequence: missense variant.
Genome position (GRCh38, 1-based): chr15:48,487,366, G>A on the plus strand (C>T on the coding strand, the complement: FBN1 is on the minus strand). VCF-style: chr15-48487366-G-A. GRCh37 (hg19) VCF-style: chr15-48779563-G-A.
Other names: NM_000138.5(FBN1):c.3409C>T; p.Arg1137Cys; short protein forms R1137C.
Identifiers: ClinVar variation 928903 (VCV000928903.19), dbSNP rs1439487763, ClinGen allele CA392326412.

ClinVar aggregate classification (germline): Uncertain significance. Review status: reviewed by expert panel (3 of 4 stars). 9 submissions from 9 submitters: Uncertain significance (1). 8 of the submissions do not count toward it. Last evaluated 2023-12-29.

Conditions:
Familial thoracic aortic aneurysm and aortic dissection (TAAD). Also called: Thoracic aortic aneurysms and dissections. Identifiers: Orphanet 91387, MedGen C4707243, MONDO:0019625.
Marfan syndrome (MFS). Also called: MARFAN SYNDROME, TYPE I; Marfan syndrome, classic; Marfan syndrome type 1; Marfan's syndrome; FBN1-Related Marfan Syndrome. Identifiers: Orphanet 284963, Orphanet 558, MedGen C0024796, MONDO:0007947, OMIM 154700.
FBN1-related disorder. Also called: FBN1-related disorders.

Allele frequency attached by ClinVar (database versions not stated): gnomAD 0.00001 and 0.00002; TOPMed 0.00002.
gnomAD v4.1: 10 of 1,614,064 alleles (0.00062%); highest among the groups gnomAD compares: African/African-American, 0.004%; no homozygotes.

Submissions (9):

ClinGen FBN1 Variant Curation Expert Panel, ClinGen
Classification: Uncertain significance for Marfan syndrome. Last evaluated: 2023-12-29. Review status: reviewed by expert panel. Criteria: Assertion Criteria VCEP FBN1 Version 1. Collection method: curation. Allele origin: germline. Inheritance: Autosomal dominant inheritance.
Comment: The NM_00138 c.3409C>T is a missense variant in FBN1 predicted to cause a substitution of a an arginine by cysteine at amino acid 1137 (p. Arg1137Cys) within a calcium binding EGF-like domain of the protein. Cysteine residues are believed to be involved in the formation of disulfide bridges which are essential for the protein structure and this variant may impact disulfide bonding (PM1). This variant has been reported four times in ClinVar: twice as likely pathogenic and twice as uncertain significance (Variation ID: 928903). To our knowledge, this variant has not previously been reported in individuals affected with Marfan syndrome in the literature. This variant is present in 3/74922 (0.004%) of alleles tested from the African/African American population gnomAD (v4.0.0). A different missense variant affecting the same residue, p.Arg1137Pro, has been previously reported in individuals with Marfan syndrome and was observed to de novo (PMID 1852208, PM5). Computational prediction tools and conservation analysis are inconclusive data with regards to a possible impact on this variant protein function and structure (REVEL: 0.736). The constraint z-score for missense variants affecting FBN1 is 5.06 (PP2). Due to the conflicting evidence, this variant is classified as uncertain significance for Marfan syndrome based on the ACMG/AMP criteria applied, as specified by the ClinGen FBN1 VCEP: PM1, PM5, PP2

GeneDx
Classification: Likely pathogenic. Last evaluated: 2026-10-23. Review status: criteria provided, single submitter. Criteria: GeneDx Variant Classification Process June 2021. Collection method: clinical testing. Allele origin: germline. Not counted in ClinVar's aggregate classification.
Comment: Introduces a new cysteine residue within an EGF-like domain of the FBN1 gene, which may affect disulfide bonding and is predicted to alter the structure and function of the protein; cysteine substitutions in the EGF-like domains represent the majority of pathogenic missense changes associated with FBN1-related disorders (PMID: 12938084); Not observed at significant frequency in large population cohorts (gnomAD); In silico analysis supports that this missense variant has a deleterious effect on protein structure/function; Has not been previously published as pathogenic or benign to our knowledge; This variant is associated with the following publications: (PMID: 12938084)

Ambry Genetics
Classification: Uncertain significance for Familial thoracic aortic aneurysm and aortic dissection. Last evaluated: 2025-01-02. Review status: criteria provided, single submitter. Criteria: Ambry Variant Classification Scheme 2023. Collection method: clinical testing. Allele origin: germline. Not counted in ClinVar's aggregate classification.
Comment: The p.R1137C variant (also known as c.3409C>T), located in coding exon 27 of the FBN1 gene, results from a C to T substitution at nucleotide position 3409. The arginine at codon 1137 is replaced by cysteine, an amino acid with highly dissimilar properties. The majority of FBN1 mutations identified to date have involved the substitution or generation of cysteine residues within cbEGF domains (Vollbrandt T et al. J Biol Chem. 2004;279(31):32924-32931). This variant was reported in individual(s) with features consistent with Marfan syndrome (Ambry internal data). This amino acid position is not well conserved in available vertebrate species. In addition, the in silico prediction for this alteration is inconclusive. Since supporting evidence is limited at this time, the clinical significance of this alteration remains unclear.

Color Diagnostics, LLC DBA Color Health
Classification: Uncertain significance for Familial thoracic aortic aneurysm and aortic dissection. Last evaluated: 2024-03-19. Review status: criteria provided, single submitter. Criteria: ACMG Guidelines, 2015. Collection method: clinical testing. Allele origin: germline. Not counted in ClinVar's aggregate classification.
Comment: This missense variant replaces arginine with cysteine at codon 1137 of the FBN1 protein. Computational prediction tools indicate that this variant has a deleterious impact on protein structure and function. Cysteine-creating variants in cbEGF-like domains have been shown to affect protein stability and are overrepresented among patients with Marfan syndrome (PMID: 15161917, 16571647, 17701892). To our knowledge, functional studies have not been reported for this variant. This variant has not been reported in individuals affected with FBN1-related disorders in the literature. This variant has been identified in 1/251482 chromosomes in the general population by the Genome Aggregation Database (gnomAD). The available evidence is insufficient to determine the role of this variant in disease conclusively. Therefore, this variant is classified as a Variant of Uncertain Significance.

Labcorp Genetics (formerly Invitae), Labcorp
Classification: Likely pathogenic for Marfan syndrome; Familial thoracic aortic aneurysm and aortic dissection. Last evaluated: 2023-11-08. Review status: criteria provided, single submitter. Criteria: Invitae Variant Classification Sherloc (09022015). Collection method: clinical testing. Allele origin: germline. Not counted in ClinVar's aggregate classification.
Comment: This sequence change replaces arginine, which is basic and polar, with cysteine, which is neutral and slightly polar, at codon 1137 of the FBN1 protein (p.Arg1137Cys). This variant is present in population databases (no rsID available, gnomAD 0.01%). This variant has not been reported in the literature in individuals affected with FBN1-related conditions. ClinVar contains an entry for this variant (Variation ID: 928903). Advanced modeling of protein sequence and biophysical properties (such as structural, functional, and spatial information, amino acid conservation, physicochemical variation, residue mobility, and thermodynamic stability) performed at Invitae indicates that this missense variant is expected to disrupt FBN1 protein function with a positive predictive value of 95%. This variant disrupts the p.Arg1137 amino acid residue in FBN1. Other variant(s) that disrupt this residue have been determined to be pathogenic (PMID: 1852208). This suggests that this residue is clinically significant, and that variants that disrupt this residue are likely to be disease-causing. In summary, the currently available evidence indicates that the variant is pathogenic, but additional data are needed to prove that conclusively. Therefore, this variant has been classified as Likely Pathogenic.

PreventionGenetics, part of Exact Sciences
Classification: Uncertain significance for FBN1-related condition. Last evaluated: 2023-07-01. Review status: criteria provided, single submitter. Criteria: ACMG Guidelines, 2015. Collection method: clinical testing. Allele origin: germline. Not counted in ClinVar's aggregate classification.
Comment: The FBN1 c.3409C>T variant is predicted to result in the amino acid substitution p.Arg1137Cys. To our knowledge, this variant has not been reported in the literature. This variant is located in the epidermal growth factor-like domain of the FBN1 protein. Missense variants in FBN1 that substitute or create a cysteine residue are documented to cause Marfan syndrome (Dietz and Dietz. 1993. PubMed ID: 20301510; Comeglio et al. 2007. PubMed ID: 17657824; Stheneur et al. 2009. PubMed ID: 19293843). This variant is reported in 0.0099% of alleles in individuals of Ashkenazi Jewish descent in gnomAD and has conflicting interpretations of pathogenicity in ClinVar ranging from likely pathogenic to uncertain. A different nucleotide substitution affecting the same amino acid (p.Arg1137Pro) has been reported de novo in two individuals with Marfan syndrome (described as R239P, Dietz et al. 1991. PubMed ID: 1852208). Taken together, although we suspect that this variant may be pathogenic, at this time, the clinical significance of this variant is uncertain due to the absence of conclusive functional and genetic evidence.

All of Us Research Program, National Institutes of Health
Classification: Uncertain significance for Marfan syndrome. Last evaluated: 2023-06-27. Review status: criteria provided, single submitter. Criteria: ACMG Guidelines, 2015. Collection method: clinical testing. Allele origin: germline. Inheritance: Autosomal dominant inheritance. Observed: 1 variant allele, 1 heterozygote. Not counted in ClinVar's aggregate classification.
Comment: This study involves interpretation of variants in research participants for the purpose of population health screening. Participant phenotype was not available at the time of variant classification. Additional details can be found in publication PMID: 35346344, PMCID: PMC8962531

ARUP Laboratories, Molecular Genetics and Genomics, ARUP Laboratories
Classification: Uncertain significance. Last evaluated: 2023-01-11. Review status: criteria provided, single submitter. Criteria: ARUP Molecular Germline Variant Investigation Process 2024. Collection method: clinical testing. Allele origin: germline. Not counted in ClinVar's aggregate classification.
Comment: The FBN1 c.3409C>T; p.Arg1137Cys variant (rs1439487763), to our knowledge, is not reported in the medical literature but is reported in ClinVar (Variation ID: 928903). This variant is only observed on one allele in the Genome Aggregation Database, indicating it is not a common polymorphism. Additionally, another variant at this codon (c.3410G>C, p.Arg1137Pro) has been reported in individuals with Marfan syndrome and is considered likely pathogenic (Dietz 1991). The arginine at codon 1137 is highly conserved, it occurs in a conserved residue of an EGF domain consensus sequence, and computational analyses predict that this variant is deleterious (REVEL: 0.736). However, given the lack of clinical and functional data, the significance of the p.Arg1137Cys variant is uncertain at this time. References: Dietz HC et al. Marfan syndrome caused by a recurrent de novo missense mutation in the fibrillin gene. Nature. 1991 Jul 25;352(6333):337-9. PMID: 1852208.

Women's Health and Genetics/Laboratory Corporation of America, LabCorp
Classification: Uncertain significance. Last evaluated: 2019-06-17. Review status: criteria provided, single submitter. Criteria: LabCorp Variant Classification Summary - May 2015. Collection method: clinical testing. Allele origin: germline. Not counted in ClinVar's aggregate classification.
Comment: Variant summary: FBN1 c.3409C>T (p.Arg1137Cys) results in a non-conservative amino acid change located in the EGF-like calcium-binding domain (IPR001881) of the encoded protein sequence. Five of five in-silico tools predict a damaging effect of the variant on protein function. "The sulfhydryl group of cysteine is unique in its ability to participate in disulfide covalent cross-linkage. In fact, two-thirds of fibrillin cysteine residues exist in the half-cystinyl form, suggesting their participation in intramolecular disulfide linkage. The cysteine residues in the EGF-like motif may also be necessary for intermolecular interactions with other fibrillin molecules or with other proteins (Dietz_1992)." Therefore, alteration of cysteine in this domain could disrupt disulfide binding, effecting secondary or tertiary structure or possibly impairing fibrillin interactions. The variant allele was found at a frequency of 4e-06 in 251482 control chromosomes (gnomAD). The available data on variant occurrences in the general population are insufficient to allow any conclusion about variant significance. To our knowledge, no occurrence of c.3409C>T in individuals affected with Marfan Syndrome and no experimental evidence demonstrating its impact on protein function have been reported. No clinical diagnostic laboratories have submitted clinical-significance assessments for this variant to ClinVar after 2014. Based on the evidence outlined above, the variant was classified as VUS-possibly pathogenic.

Literature cited by the submitters: PubMed 15161917 (cited by Color Diagnostics, LLC DBA Color Health); PubMed 16571647 (cited by Color Diagnostics, LLC DBA Color Health); PubMed 17701892 (cited by Color Diagnostics, LLC DBA Color Health); PubMed 1852208 (cited by Labcorp Genetics (formerly Invitae), Labcorp).